The following is an entry in ClinVar:

ClinVar aggregate classification (germline): Uncertain significance. Review status: criteria provided, multiple submitters, no conflicts (2 of 4 stars). 2 submissions from 2 submitters: Uncertain significance (2). Last evaluated 2023-03-09.

Conditions:
RYR1-related disorder. Also called: RYR1-related disorders; RYR1-related condition. Identifiers: MedGen CN239331.

Submissions (2):

Labcorp Genetics (formerly Invitae), Labcorp
Classification: Uncertain significance for RYR1-related disorder. Last evaluated: 2023-03-09. Review status: criteria provided, single submitter. Criteria: Invitae Variant Classification Sherloc (09022015). Collection method: clinical testing. Allele origin: germline.
Comment: This sequence change replaces methionine, which is neutral and non-polar, with arginine, which is basic and polar, at codon 4840 of the RYR1 protein (p.Met4840Arg). This variant is not present in population databases (gnomAD no frequency). This missense change has been observed in individual(s) with RYR1-related disorders (PMID: 30155738). ClinVar contains an entry for this variant (Variation ID: 590455). Advanced modeling of protein sequence and biophysical properties (such as structural, functional, and spatial information, amino acid conservation, physicochemical variation, residue mobility, and thermodynamic stability) has been performed at Invitae for this missense variant, however the output from this modeling did not meet the statistical confidence thresholds required to predict the impact of this variant on RYR1 protein function. In summary, the available evidence is currently insufficient to determine the role of this variant in disease. Therefore, it has been classified as a Variant of Uncertain Significance.

PreventionGenetics, part of Exact Sciences
Classification: Uncertain significance. Last evaluated: 2016-09-12. Review status: criteria provided, single submitter. Criteria: ACMG Guidelines, 2015. Collection method: clinical testing. Allele origin: germline.

Literature cited by the submitters: PubMed 30155738 (cited by Labcorp Genetics (formerly Invitae), Labcorp).

NM_000540.3(RYR1):c.14519T>G (p.Met4840Arg)

Gene: RYR1 (ryanodine receptor 1; plus strand). Cytogenetic location: 19q13.2.
Variant type: single nucleotide variant.
Coding change: c.14519T>G on transcript NM_000540.3 (MANE Select); coding-DNA position 14519, T replaced by G.
Protein change: p.Met4840Arg; replaces methionine 4840 with arginine.
Molecular consequence: missense variant.
Genome position (GRCh38, 1-based): chr19:38,580,377, T>G. VCF-style: chr19-38580377-T-G. GRCh37 (hg19) VCF-style: chr19-39071017-T-G.
Other names: c.14504T>G, p.Met4835Arg (NM_001042723.2); short protein forms M4840R, M4835R.
Identifiers: ClinVar variation 590455 (VCV000590455.5), dbSNP rs1568604966, ClinGen allele CA405687574.